The following is an entry in ClinVar:

NM_001371623.1(TCOF1):c.4345+2T>C

Gene: TCOF1 (treacle ribosome biogenesis factor 1; plus strand). Cytogenetic location: 5q32.
Variant type: single nucleotide variant.
Coding change: c.4345+2T>C on transcript NM_001371623.1 (MANE Select); the canonical splice donor site of the intron after coding-DNA position 4345, T replaced by C.
Molecular consequence: splice donor variant.
Genome position (GRCh38, 1-based): chr5:150,396,844, T>C. VCF-style: chr5-150396844-T-C. GRCh37 (hg19) VCF-style: chr5-149776407-T-C.
Other names: c.4342+2T>C (NM_001135243.2); c.4231+2T>C (NM_001135244.2); c.4228+2T>C (NM_001195141.2); c.4114+2T>C (NM_001135245.2); c.4111+2T>C (NM_000356.4).
Identifiers: ClinVar variation 1394356 (VCV001394356.6), dbSNP rs2151108410, ClinGen allele CA361744346.

ClinVar aggregate classification (germline): Pathogenic (1 of 4 stars; one submission).

Conditions:
Treacher Collins syndrome 1 (TCS1). Also called: TCOF1-Related Treacher Collins Syndrome. Identifiers: Orphanet 861, MedGen CN315775, MONDO:0007944, OMIM 154500.

Submission:

Labcorp Genetics (formerly Invitae), Labcorp
Classification: Pathogenic for Treacher Collins syndrome 1. Last evaluated: 2021-11-28. Review status: criteria provided, single submitter. Criteria: Invitae Variant Classification Sherloc (09022015). Collection method: clinical testing. Allele origin: germline.
Comment: This sequence change affects a donor splice site in intron 24 of the TCOF1 gene. It is expected to disrupt RNA splicing. Variants that disrupt the donor or acceptor splice site typically lead to a loss of protein function (PMID: 16199547), and loss-of-function variants in TCOF1 are known to be pathogenic (PMID: 8894686, 22317976). This variant is not present in population databases (gnomAD no frequency). Disruption of this splice site has been observed in individual(s) with clinical features of Treacher Collins syndrome (Invitae). Algorithms developed to predict the effect of sequence changes on RNA splicing suggest that this variant may disrupt the consensus splice site. For these reasons, this variant has been classified as Pathogenic.

Literature cited by the submitters: PubMed 16199547; PubMed 8894686; PubMed 22317976.